The following is an entry in ClinVar:

NM_001146262.4(SYT14):c.881G>A (p.Gly294Asp)

Gene: SYT14 (synaptotagmin 14; plus strand). Cytogenetic location: 1q32.2.
Variant type: single nucleotide variant.
Coding change: c.881G>A on transcript NM_001146262.4 (MANE Select); coding-DNA position 881, G replaced by A.
Protein change: p.Gly294Asp; replaces glycine 294 with aspartic acid.
Molecular consequence: missense variant. On other transcripts: non-coding transcript variant (1).
Genome position (GRCh38, 1-based): chr1:210,100,178, G>A. VCF-style: chr1-210100178-G-A. GRCh37 (hg19) VCF-style: chr1-210273523-G-A.
Other names: c.1016G>A, p.Gly339Asp (NM_001146261.4, NM_001146264.4); c.767G>A, p.Gly256Asp (NM_001256006.3); c.1751G>A, p.Gly584Asp (NM_001397544.1, NM_001397545.1); c.881G>A, p.Gly294Asp (NM_153262.5); short protein forms G339D, G256D, G294D, G584D.
Identifiers: ClinVar variation 448637 (VCV000448637.6), dbSNP rs149544914, ClinGen allele CA1378346.

ClinVar aggregate classification (germline): Uncertain significance. Review status: criteria provided, multiple submitters, no conflicts (2 of 4 stars). 2 submissions from 2 submitters: Uncertain significance (2). Last evaluated 2024-11-19.

Allele frequency attached by ClinVar (database versions not stated): 1000 Genomes Project 30x 0.00016; 1000 Genomes Project 0.00020; gnomAD exomes 0.00022 and 0.00051; TOPMed 0.00023; gnomAD 0.00024 and 0.00026; ExAC 0.00025; ESP Exome Variant Server 0.00069.
gnomAD v4.1: 783 of 1,614,036 alleles (0.049%); highest among the groups gnomAD compares: Non-Finnish European, 0.062%; no homozygotes.

Submissions (2):

Blueprint Genetics
Classification: Uncertain significance. Last evaluated: 2024-11-19. Review status: criteria provided, single submitter. Criteria: ACMG Guidelines, 2015. Collection method: clinical testing. Allele origin: germline.

Athena Diagnostics
Classification: Uncertain significance. Last evaluated: 2023-12-20. Review status: criteria provided, single submitter. Criteria: Athena Diagnostics Criteria. Collection method: clinical testing. Allele origin: unknown.
Comment: Available data are insufficient to determine the clinical significance of the variant at this time. The frequency of this variant in the general population is higher than would generally be expected for pathogenic variants in this gene. Computational tools predict that this variant is damaging.

Literature cited by the submitters: PubMed 29590070 (cited by Athena Diagnostics).